The following is an entry in ClinVar:

NM_020919.4(ALS2):c.3437C>T (p.Ser1146Phe)

Gene: ALS2 (alsin Rho guanine nucleotide exchange factor ALS2; minus strand). Cytogenetic location: 2q33.1.
Variant type: single nucleotide variant.
Coding change: c.3437C>T on transcript NM_020919.4 (MANE Select); coding-DNA position 3437, C replaced by T.
Protein change: p.Ser1146Phe; replaces serine 1146 with phenylalanine.
Molecular consequence: missense variant.
Genome position (GRCh38, 1-based): chr2:201,724,370, G>A on the plus strand (C>T on the coding strand, the complement: ALS2 is on the minus strand). VCF-style: chr2-201724370-G-A. GRCh37 (hg19) VCF-style: chr2-202589093-G-A.
Other names: short protein forms S1146F.
Identifiers: ClinVar variation 1403968 (VCV001403968.3), dbSNP rs865875067, ClinGen allele CA63938317.

ClinVar aggregate classification (germline): Uncertain significance (1 of 4 stars; one submission).

Conditions:
Infantile-onset ascending hereditary spastic paralysis (IAHSP). Also called: Infantile-Onset Ascending Hereditary Spastic Paralysis (IAHSP); Autosomal Recessive Juvenile Amyotrophic Lateral Sclerosis. Identifiers: Orphanet 293168, MedGen C2931441, MONDO:0011797, OMIM 607225. Disease mechanism: loss of function.

Allele frequency attached by ClinVar (database versions not stated): gnomAD exomes below 0.00001 and 0.00001; gnomAD 0.00003 and 0.00004; TOPMed 0.00003.
gnomAD v4.1: 9 of 1,613,828 alleles (0.00056%); highest among the groups gnomAD compares: African/African-American, 0.0053%; no homozygotes.

Submission:

Labcorp Genetics (formerly Invitae), Labcorp
Classification: Uncertain significance for Infantile-onset ascending hereditary spastic paralysis. Last evaluated: 2022-08-10. Review status: criteria provided, single submitter. Criteria: Invitae Variant Classification Sherloc (09022015). Collection method: clinical testing. Allele origin: germline.
Comment: This sequence change replaces serine, which is neutral and polar, with phenylalanine, which is neutral and non-polar, at codon 1146 of the ALS2 protein (p.Ser1146Phe). This variant is present in population databases (no rsID available, gnomAD 0.01%). This variant has not been reported in the literature in individuals affected with ALS2-related conditions. ClinVar contains an entry for this variant (Variation ID: 1403968). Algorithms developed to predict the effect of missense changes on protein structure and function are either unavailable or do not agree on the potential impact of this missense change (SIFT: "Deleterious"; PolyPhen-2: "Possibly Damaging"; Align-GVGD: "Class C0"). In summary, the available evidence is currently insufficient to determine the role of this variant in disease. Therefore, it has been classified as a Variant of Uncertain Significance.